The following is an entry in ClinVar:

ClinVar aggregate classification (germline): Uncertain significance (1 of 4 stars; one submission).

Conditions:
Familial acute necrotizing encephalopathy (IIAE3). Also called: ENCEPHALOPATHY, ACUTE, INFECTION-INDUCED, SUSCEPTIBILITY TO, 3; Susceptibility to Acute Necrotizing Encephalopathy 1. Identifiers: Orphanet 88619, MedGen C2675556, MONDO:0011953, OMIM 608033.

Submission:

Labcorp Genetics (formerly Invitae), Labcorp
Classification: Uncertain significance for Encephalopathy, acute, infection-induced, 3, suceptibility to. Last evaluated: 2019-05-29. Review status: criteria provided, single submitter. Criteria: Invitae Variant Classification Sherloc (09022015). Collection method: clinical testing. Allele origin: germline.
Comment: A gross deletion of the genomic region encompassing the full coding sequence of the RANBP2 gene has been identified. The boundaries of this event are unknown as the deletion extends beyond the assayed region for this gene and therefore may encompass additional genes. This variant has not been reported in the literature in individuals with RANBP2-related conditions. The current clinical and genetic evidence is not sufficient to establish whether loss-of-function variants in RANBP2 cause disease. In summary, the available evidence is currently insufficient to determine the role of this variant in disease. Therefore, it has been classified as a Variant of Uncertain Significance.

NC_000002.12:g.(?_108719587)_(108740701_?)del

Gene: RANBP2 (RAN binding protein 2; plus strand). Cytogenetic location: 2q12.3.
Variant type: Deletion.
Identifiers: ClinVar variation 832796 (VCV000832796.2).